The following is an entry in ClinVar:

ClinVar aggregate classification (germline): Uncertain significance (1 of 4 stars; one submission).

Conditions:
Perlman syndrome (PRLMNS). Identifiers: Orphanet 2849, MedGen C0796113, MONDO:0009965, OMIM 267000.

Submission:

Labcorp Genetics (formerly Invitae), Labcorp
Classification: Uncertain significance for Perlman syndrome. Last evaluated: 2018-12-15. Review status: criteria provided, single submitter. Criteria: Invitae Variant Classification Sherloc (09022015). Collection method: clinical testing. Allele origin: germline.
Comment: In summary, the available evidence is currently insufficient to determine the role of this variant in disease. Therefore, it has been classified as a Variant of Uncertain Significance. Experimental studies and prediction algorithms are not available for this variant, and the functional significance of the affected amino acid(s) is currently unknown. This variant has not been reported in the literature in individuals with DIS3L2-related conditions. This variant is not present in population databases (ExAC no frequency). This sequence change results in a premature translational stop signal in the DIS3L2 gene (p.Leu787Argfs*34). While this is not anticipated to result in nonsense mediated decay, it is expected to disrupt the last 100 amino acids of the DIS3L2 protein.

NM_152383.5(DIS3L2):c.2357_2377delinsGACGCCGT (p.Val786fs)

Gene: DIS3L2 (DIS3 like 3'-5' exoribonuclease 2; plus strand). Cytogenetic location: 2q37.1.
Variant type: Indel.
Coding change: c.2357_2377delinsGACGCCGT on transcript NM_152383.5 (MANE Select); coding-DNA positions 2357 to 2377, TGCTGCGCTACGGCGTGCAGA replaced by GACGCCGT.
Protein change: p.Val786fs; shifts the reading frame from valine 786.
Molecular consequence: frameshift variant. On other transcripts: non-coding transcript variant (2), intron variant (1).
Genome position (GRCh38, 1-based): chr2:232,334,698-232,334,718, TGCTGCGCTACGGCGTGCAGA replaced by GACGCCGT. VCF-style: chr2-232334698-TGCTGCGCTACGGCGTGCAGA-GACGCCGT. GRCh37 (hg19) VCF-style: chr2-233199408-TGCTGCGCTACGGCGTGCAGA-GACGCCGT.
Other names: c.1582-8647_1582-8627delinsGACGCCGT (NM_001257281.2); short protein forms V786fs.
Identifiers: ClinVar variation 648389 (VCV000648389.7), dbSNP rs1575028192, ClinGen allele CA915941790.